The following is an entry in ClinVar:

ClinVar aggregate classification (germline): Uncertain significance (1 of 4 stars; one submission).

Conditions:
Familial adenomatous polyposis 2. Also called: MYH-associated polyposis; Adenomas, multiple colorectal; COLORECTAL ADENOMATOUS POLYPOSIS, AUTOSOMAL RECESSIVE; ADENOMAS, MULTIPLE COLORECTAL, AUTOSOMAL RECESSIVE; FAP type 2; MUTYH Polyposis. Identifiers: Orphanet 220460, Orphanet 247798, MedGen C3272841, MONDO:0012041, OMIM 608456.

Submission:

Labcorp Genetics (formerly Invitae), Labcorp
Classification: Uncertain significance for Familial adenomatous polyposis 2. Last evaluated: 2021-07-08. Review status: criteria provided, single submitter. Criteria: Invitae Variant Classification Sherloc (09022015). Collection method: clinical testing. Allele origin: germline.
Comment: This variant, c.56_58dup, results in the insertion of 1 amino acid(s) to the MUTYH protein (p.Arg19_Ala20insGly), but otherwise preserves the integrity of the reading frame. This variant is not present in population databases (ExAC no frequency). This variant has not been reported in the literature in individuals affected with MUTYH-related conditions. Experimental studies and prediction algorithms are not available or were not evaluated, and the functional significance of this variant is currently unknown. In summary, the available evidence is currently insufficient to determine the role of this variant in disease. Therefore, it has been classified as a Variant of Uncertain Significance.

NM_001048174.2(MUTYH):c.14_16dup (p.Arg5_Ala6insGly)

Gene: MUTYH (mutY DNA glycosylase; minus strand). Cytogenetic location: 1p34.1.
Variant type: Duplication.
Coding change: c.14_16dup on transcript NM_001048174.2 (MANE Select); coding-DNA positions 14 to 16, 3 bases duplicated (GAG; older notation c.14_16dupGAG).
Protein change: p.Arg5_Ala6insGly.
Molecular consequence: inframe insertion. On other transcripts: non-coding transcript variant (2), 5 prime UTR variant (4).
Genome position (GRCh38, 1-based): chr1:45,334,490-45,334,492, CTC duplicated on the plus strand (GAG on the coding strand, the reverse complement: MUTYH is on the minus strand). VCF-style (leftmost placement, unchanged base first): chr1-45334489-G-GCTC. GRCh37 (hg19) VCF-style: chr1-45800161-G-GCTC.
Other names: c.14_16dup, p.Arg5_Ala6insGly (NM_001048171.2, NM_001048172.2, NM_001048173.2 and 2 more transcripts); c.56_58dup, p.Arg19_Ala20insGly (NM_001128425.2, NM_001293190.2, NM_012222.3); c.-199_-197dup (NM_001293192.2, NM_001293196.2); c.-258_-256dup (NM_001350650.2); c.-194_-192dup (NM_001350651.2).
Identifiers: ClinVar variation 1465622 (VCV001465622.6), dbSNP rs2149189490, ClinGen allele CA2573132108.